The following is an entry in ClinVar:

NM_000179.3(MSH6):c.3100C>G (p.Arg1034Gly)

Gene: MSH6 (mutS homolog 6; plus strand). Cytogenetic location: 2p16.3.
Variant type: single nucleotide variant.
Coding change: c.3100C>G on transcript NM_000179.3 (MANE Select); coding-DNA position 3100, C replaced by G.
Protein change: p.Arg1034Gly; replaces arginine 1034 with glycine.
Molecular consequence: missense variant.
Genome position (GRCh38, 1-based): chr2:47,801,083, C>G. VCF-style: chr2-47801083-C-G. GRCh37 (hg19) VCF-style: chr2-48028222-C-G.
Other names: p.R1034G:CGG>GGG; c.2710C>G, p.Arg904Gly (NM_001281492.2); c.2194C>G, p.Arg732Gly (NM_001281493.2, NM_001281494.2); short protein forms R1034G, R732G, R904G.
Identifiers: ClinVar variation 127578 (VCV000127578.19), dbSNP rs587779930, ClinGen allele CA011544.

ClinVar aggregate classification (germline): Uncertain significance. Review status: criteria provided, multiple submitters, no conflicts (2 of 4 stars). 6 submissions from 6 submitters: Uncertain significance (6). Last evaluated 2025-06-29.

Conditions:
Hereditary cancer-predisposing syndrome. Also called: Hereditary Cancer Syndrome; Hereditary neoplastic syndrome; Tumor predisposition; Neoplastic Syndromes, Hereditary. Identifiers: Orphanet 140162, MedGen C0027672, MeSH D009386, MONDO:0015356.
Hereditary nonpolyposis colorectal neoplasms. Identifiers: MedGen C0009405, MeSH D003123.
Lynch syndrome. Identifiers: Orphanet 144, MedGen C4552100, MONDO:0005835. Disease mechanism: loss of function.

gnomAD v4.1: 2 of 1,610,340 alleles (0.00012%); highest among the groups gnomAD compares: Non-Finnish European, 0.00017%; no homozygotes.

Submissions (6):

Ambry Genetics
Classification: Uncertain significance for Hereditary cancer-predisposing syndrome. Last evaluated: 2025-06-29. Review status: criteria provided, single submitter. Criteria: Ambry Variant Classification Scheme 2023. Collection method: clinical testing. Allele origin: germline.
Comment: The p.R1034G variant (also known as c.3100C>G), located in coding exon 4 of the MSH6 gene, results from a C to G substitution at nucleotide position 3100. The arginine at codon 1034 is replaced by glycine, an amino acid with dissimilar properties. This variant was reported in an individual whose Lynch syndrome-associated tumor demonstrated normal mismatch repair protein expression on immunohistochemistry (Djursby M et al. Hum Genet, 2022 Dec;141:1925-1933). This amino acid position is highly conserved in available vertebrate species. In addition, this alteration is predicted to be deleterious by in silico analysis. Based on the available evidence, the clinical significance of this variant remains unclear.

Labcorp Genetics (formerly Invitae), Labcorp
Classification: Uncertain significance for Hereditary nonpolyposis colorectal neoplasms. Last evaluated: 2024-10-27. Review status: criteria provided, single submitter. Criteria: Invitae Variant Classification Sherloc (09022015). Collection method: clinical testing. Allele origin: germline.
Comment: This sequence change replaces arginine, which is basic and polar, with glycine, which is neutral and non-polar, at codon 1034 of the MSH6 protein (p.Arg1034Gly). This variant is present in population databases (rs587779930, gnomAD 0.0009%). This variant has not been reported in the literature in individuals affected with MSH6-related conditions. ClinVar contains an entry for this variant (Variation ID: 127578). Invitae Evidence Modeling of protein sequence and biophysical properties (such as structural, functional, and spatial information, amino acid conservation, physicochemical variation, residue mobility, and thermodynamic stability) has been performed for this missense variant. However, the output from this modeling did not meet the statistical confidence thresholds required to predict the impact of this variant on MSH6 protein function. In summary, the available evidence is currently insufficient to determine the role of this variant in disease. Therefore, it has been classified as a Variant of Uncertain Significance.

Color Diagnostics, LLC DBA Color Health
Classification: Uncertain significance for Hereditary cancer-predisposing syndrome. Last evaluated: 2024-04-11. Review status: criteria provided, single submitter. Criteria: ACMG Guidelines, 2015. Collection method: clinical testing. Allele origin: germline.
Comment: This missense variant replaces arginine with glycine at codon 1034 of the MSH6 protein. Computational prediction suggests that this variant may have deleterious impact on protein structure and function (internally defined REVEL score threshold >= 0.7, PMID: 27666373). To our knowledge, functional studies have not been reported for this variant. This variant has been reported in a family affected with colorectal cancer (PMID: 35904628). This variant has been identified in 1/247368 chromosomes in the general population by the Genome Aggregation Database (gnomAD). The available evidence is insufficient to determine the role of this variant in disease conclusively. Therefore, this variant is classified as a Variant of Uncertain Significance.

All of Us Research Program, National Institutes of Health
Classification: Uncertain significance for Lynch syndrome. Last evaluated: 2023-11-30. Review status: criteria provided, single submitter. Criteria: ACMG Guidelines, 2015. Collection method: clinical testing. Allele origin: germline. Inheritance: Autosomal dominant inheritance. Observed: 1 variant allele, 1 heterozygote.
Comment: This study involves interpretation of variants in research participants for the purpose of population health screening. Participant phenotype was not available at the time of variant classification. Additional details can be found in publication PMID: 35346344, PMCID: PMC8962531

Quest Diagnostics Nichols Institute San Juan Capistrano
Classification: Uncertain significance. Last evaluated: 2020-11-10. Review status: criteria provided, single submitter. Criteria: Quest Diagnostics criteria. Collection method: clinical testing. Allele origin: unknown.

GeneDx
Classification: Uncertain significance. Last evaluated: 2014-01-24. Review status: criteria provided, single submitter. Criteria: GeneDx Variant Classification (06012015). Collection method: clinical testing. Allele origin: germline. Affected: yes.
Comment: This variant is denoted MSH6 c.3100C>G at the cDNA level, p.Arg1034Gly (R1034G) at the protein level, and results in the change of an Arginine to a Glycine (CGG>GGG). This variant has not, to our knowledge, been published in the literature as pathogenic or benign. MSH6 Arg1034Gly was not observed in approximately 6,500 individuals of European and African American ancestry in the NHLBI Exome Sequencing Project, indicating it is not a common benign variant in these populations. This variant is a non-conservative substitution in which a positive polar amino acid is replaced with a neutral non-polar one, altering a position that is well conserved throughout evolution and is not located in a known functional domain. Multiple in silico algorithms predict that this variant may be damaging to protein structure and function. Based on the currently available information, we consider MSH6 Arg1034Gly to be a variant of uncertain significance.

Literature cited by the submitters: PubMed 35904628 (cited by Ambry Genetics and Color Diagnostics, LLC DBA Color Health).